The following is an entry in ClinVar:

ClinVar aggregate classification (germline): Pathogenic (1 of 4 stars; one submission).

Submission:

Labcorp Genetics (formerly Invitae), Labcorp
Classification: Pathogenic. Last evaluated: 2020-01-23. Review status: criteria provided, single submitter. Criteria: Invitae Variant Classification Sherloc (09022015). Collection method: clinical testing. Allele origin: germline.
Comment: Experimental studies have shown that deletion of this regulatory region (known as HS40, MCS-2, MCS-R, and MSC-R2) results in severely reduced, although not absent, alpha-globin gene expression (PMID: 7620173, 2253879, 8248238, 19696202). For these reasons, this variant has been classified as Pathogenic. This variant has been observed in individuals and families affected with alpha-thalassemia and HbH disease (PMID: 20110179, 20580289, 26915575, 20864588). This variant is a gross deletion of the genomic region encompassing a regulatory region (HS40) located approximately 40kb upstream of the alpha globin gene cluster. It does not change the encoded amino acid sequence of the HBA1 or HBA2 proteins, but has been reported to affect alpha globin gene expression.

Literature cited by the submitters: PubMed 7620173; PubMed 2253879; PubMed 8248238; PubMed 19696202; PubMed 20110179; PubMed 20580289; PubMed 26915575; PubMed 20864588.

NC_000016.9:g.(?_163493)_(193701_?)del

Genes: HBA2 (hemoglobin subunit alpha 2; plus strand), NPRL3 (NPR3 like, GATOR1 complex subunit; minus strand). Cytogenetic location: 16p13.3.
Variant type: Deletion.
Identifiers: ClinVar variation 1072685 (VCV001072685.7).